The following is an entry in ClinVar:

NM_004172.5(SLC1A3):c.162A>G (p.Thr54=)

Gene: SLC1A3 (solute carrier family 1 member 3; plus strand). Cytogenetic location: 5p13.2.
Variant type: single nucleotide variant.
Coding change: c.162A>G on transcript NM_004172.5 (MANE Select); coding-DNA position 162, A replaced by G.
Protein change: p.Thr54=; no amino-acid change (threonine 54 retained).
Molecular consequence: synonymous variant. On other transcripts: 5 prime UTR variant (3).
Genome position (GRCh38, 1-based): chr5:36,608,585, A>G. VCF-style: chr5-36608585-A-G. GRCh37 (hg19) VCF-style: chr5-36608687-A-G.
Other names: p.Thr54=; c.162A>G, p.Thr54= (NM_001166695.3, NM_001166696.3, NM_001289939.2 and 7 more transcripts); c.-309A>G (NM_001438460.1, NM_001438461.1); c.-262A>G (NM_001438462.1).
Identifiers: ClinVar variation 4684832 (VCV004684832.1).

ClinVar aggregate classification (germline): Likely benign (1 of 4 stars; one submission).

Submission:

Mayo Clinic Laboratories, Mayo Clinic
Classification: Likely benign. Last evaluated: 2025-04-23. Review status: criteria provided, single submitter. Criteria: ACMG Guidelines, 2015. Collection method: clinical testing. Allele origin: germline. Observed: 1 variant allele.
Comment: BP4, BP7